The following is an entry in ClinVar:

ClinVar aggregate classification (germline): Uncertain significance. Review status: criteria provided, multiple submitters, no conflicts (2 of 4 stars). 2 submissions from 2 submitters: Uncertain significance (2). Last evaluated 2025-07-19.

Conditions:
Charcot-Marie-Tooth disease type 2. Also called: Charcot-Marie-Tooth type 2. Identifiers: Orphanet 64746, MedGen C0270914, MONDO:0018993.

Allele frequency attached by ClinVar (database versions not stated): gnomAD exomes below 0.00001.

Submissions (2):

Ambry Genetics
Classification: Uncertain significance. Last evaluated: 2025-07-19. Review status: criteria provided, single submitter. Criteria: Ambry Variant Classification Scheme 2023. Collection method: clinical testing. Allele origin: germline.
Comment: The p.R587C variant (also known as c.1759C>T), located in coding exon 18 of the KIF1B gene, results from a C to T substitution at nucleotide position 1759. The arginine at codon 587 is replaced by cysteine, an amino acid with highly dissimilar properties. This amino acid position is highly conserved in available vertebrate species. In addition, this alteration is predicted to be deleterious by in silico analysis. Since supporting evidence is limited at this time, the clinical significance of this alteration remains unclear.

Labcorp Genetics (formerly Invitae), Labcorp
Classification: Uncertain significance for Charcot-Marie-Tooth disease type 2. Last evaluated: 2024-02-29. Review status: criteria provided, single submitter. Criteria: Invitae Variant Classification Sherloc (09022015). Collection method: clinical testing. Allele origin: germline.
Comment: This sequence change replaces arginine, which is basic and polar, with cysteine, which is neutral and slightly polar, at codon 587 of the KIF1B protein (p.Arg587Cys). This variant is not present in population databases (gnomAD no frequency). This variant has not been reported in the literature in individuals affected with KIF1B-related conditions. ClinVar contains an entry for this variant (Variation ID: 1779530). Advanced modeling of protein sequence and biophysical properties (such as structural, functional, and spatial information, amino acid conservation, physicochemical variation, residue mobility, and thermodynamic stability) performed at Invitae indicates that this missense variant is expected to disrupt KIF1B protein function with a positive predictive value of 80%. In summary, the available evidence is currently insufficient to determine the role of this variant in disease. Therefore, it has been classified as a Variant of Uncertain Significance.

NM_001365951.3(KIF1B):c.1897C>T (p.Arg633Cys)

Gene: KIF1B (kinesin family member 1B; plus strand). Cytogenetic location: 1p36.22.
Variant type: single nucleotide variant.
Coding change: c.1897C>T on transcript NM_001365951.3 (MANE Select); coding-DNA position 1897, C replaced by T.
Protein change: p.Arg633Cys; replaces arginine 633 with cysteine.
Molecular consequence: missense variant.
Genome position (GRCh38, 1-based): chr1:10,296,932, C>T. VCF-style: chr1-10296932-C-T. GRCh37 (hg19) VCF-style: chr1-10356990-C-T.
Other names: c.1897C>T, p.Arg633Cys (NM_001365952.1); c.1759C>T, p.Arg587Cys (NM_001365953.1, NM_015074.3, NM_183416.4); short protein forms R633C, R587C.
Identifiers: ClinVar variation 1779530 (VCV001779530.5), dbSNP rs958186542, ClinGen allele CA17813886.